The following is an entry in ClinVar:

ClinVar aggregate classification (germline): Uncertain significance (1 of 4 stars; one submission).

Conditions:
Hereditary cancer-predisposing syndrome. Also called: Hereditary Cancer Syndrome; Neoplastic Syndromes, Hereditary; Tumor predisposition; Hereditary neoplastic syndrome. Identifiers: Orphanet 140162, MedGen C0027672, MeSH D009386, MONDO:0015356.

Allele frequency attached by ClinVar (database versions not stated): gnomAD exomes below 0.00001.
gnomAD v4.1: 1 of 1,614,220 alleles (0.000062%); highest among the groups gnomAD compares: Non-Finnish European, 0.000085%; no homozygotes.

Submission:

Color Diagnostics, LLC DBA Color Health
Classification: Uncertain significance for Hereditary cancer-predisposing syndrome. Last evaluated: 2023-12-05. Review status: criteria provided, single submitter. Criteria: ACMG Guidelines, 2015. Collection method: clinical testing. Allele origin: germline.
Comment: This missense variant replaces tyrosine with serine at codon 260 of the SMAD4 protein. Computational prediction suggests that this variant may not impact protein structure and function (internally defined REVEL score threshold <= 0.5, PMID: 27666373). To our knowledge, functional studies have not been reported for this variant. This variant has not been reported in individuals affected with SMAD4-related disorders in the literature. This variant has not been identified in the general population by the Genome Aggregation Database (gnomAD). The available evidence is insufficient to determine the role of this variant in disease conclusively. Therefore, this variant is classified as a Variant of Uncertain Significance.

NM_005359.6(SMAD4):c.779A>C (p.Tyr260Ser)

Gene: SMAD4 (SMAD family member 4; plus strand). Cytogenetic location: 18q21.2.
Variant type: single nucleotide variant.
Coding change: c.779A>C on transcript NM_005359.6 (MANE Select); coding-DNA position 779, A replaced by C.
Protein change: p.Tyr260Ser; replaces tyrosine 260 with serine.
Molecular consequence: missense variant.
Genome position (GRCh38, 1-based): chr18:51,058,236, A>C. VCF-style: chr18-51058236-A-C. GRCh37 (hg19) VCF-style: chr18-48584606-A-C.
Other names: short protein forms Y260S.
Identifiers: ClinVar variation 490156 (VCV000490156.6), dbSNP rs1555685937, ClinGen allele CA402463173.